The following is an entry in ClinVar:

ClinVar aggregate classification (germline): Benign. Review status: criteria provided, multiple submitters, no conflicts (2 of 4 stars). 4 submissions from 3 submitters: Benign (4). Last evaluated 2021-05-12.

Conditions:
Weill-Marchesani syndrome. Also called: WM Syndrome; Mesodermal dysmorphodystrophy congenital. Identifiers: Orphanet 3449, MedGen C0265313, MONDO:0018096.
Glaucoma 3, primary congenital, D. Identifiers: Orphanet 98976, MedGen C2751316, MONDO:0013122, OMIM 613086.

Allele frequency attached by ClinVar (database versions not stated): 1000 Genomes Project 30x 0.29763; 1000 Genomes Project 0.29992; TOPMed 0.34100; gnomAD 0.34968 and 0.35076; gnomAD exomes 0.38918.
gnomAD v4.1: 84,864 of 232,346 alleles (37%); highest among the groups gnomAD compares: Non-Finnish European, 43%; 16,886 homozygotes.

Submissions (4):

GeneDx
Classification: Benign. Last evaluated: 2021-05-12. Review status: criteria provided, single submitter. Criteria: GeneDx Variant Classification Process June 2021. Collection method: clinical testing. Allele origin: germline. Affected: yes.

Illumina Laboratory Services, Illumina
Classification: Benign for Glaucoma 3, primary congenital, D. Last evaluated: 2018-01-13. Review status: criteria provided, single submitter. Criteria: ICSL Variant Classification Criteria 13 December 2019. Collection method: clinical testing. Allele origin: germline.
Comment: This variant was observed in the ICSL laboratory as part of a predisposition screen in an ostensibly healthy population. It had not been previously curated by ICSL or reported in the Human Gene Mutation Database (HGMD: prior to June 1st, 2018), and was therefore a candidate for classification through an automated scoring system. Utilizing variant allele frequency, disease prevalence and penetrance estimates, and inheritance mode, an automated score was calculated to assess if this variant is too frequent to cause the disease. Based on the score and internal cut-off values, a variant classified as benign is not then subjected to further curation. The score for this variant resulted in a classification of benign for this disease.

Illumina Laboratory Services, Illumina
Classification: Benign for Weill-Marchesani syndrome. Last evaluated: 2018-01-13. Review status: criteria provided, single submitter. Criteria: ICSL Variant Classification Criteria 13 December 2019. Collection method: clinical testing. Allele origin: germline.
Comment: the same text as in the submission from Illumina Laboratory Services, Illumina above.

Breakthrough Genomics
Classification: Benign. Review status: criteria provided, single submitter. Criteria: ACMG Guidelines, 2015. Collection method: not provided. Allele origin: germline. Inheritance: Autosomal recessive inheritance. Affected: yes.

NM_000428.3(LTBP2):c.*824C>T

Gene: LTBP2 (latent transforming growth factor beta binding protein 2; minus strand). Cytogenetic location: 14q24.3.
Variant type: single nucleotide variant.
Coding change: c.*824C>T on transcript NM_000428.3 (MANE Select); 824 bases downstream of the stop codon, C replaced by T.
Molecular consequence: 3 prime UTR variant.
Genome position (GRCh38, 1-based): chr14:74,500,060, G>A on the plus strand (C>T on the coding strand, the complement: LTBP2 is on the minus strand). VCF-style: chr14-74500060-G-A. GRCh37 (hg19) VCF-style: chr14-74966763-G-A.
Identifiers: ClinVar variation 314254 (VCV000314254.9), dbSNP rs7569, ClinGen allele CA10644900.
Genomic context (GRCh38, chr14:74,500,060, plus strand): 5'-GAAGAGGTTTGTTTCCTGTAAGAAGCAGTGTTTATGTAATAGAGGTCTTTGTAGATGGGT[G>A]CTGTATCCCATGGCAGCCCTTGCTGCTGGTGCCCACAGGCTATCACTGGGCGGATTCAGC-3'